The following is an entry in ClinVar:

ClinVar aggregate classification (germline): Pathogenic (1 of 4 stars; one submission).

Conditions:
Autosomal recessive severe congenital neutropenia due to CSF3R deficiency. Also called: Neutropenia, severe congenital, 7, autosomal recessive. Identifiers: Orphanet 420702, MedGen C4310764, MONDO:0014865, OMIM 617014.

Allele frequency attached by ClinVar (database versions not stated): gnomAD exomes below 0.00001; TOPMed 0.00001.
gnomAD v4.1: 1 of 1,614,214 alleles (0.000062%); highest among the groups gnomAD compares: Non-Finnish European, 0.000085%; no homozygotes.

Submission:

Labcorp Genetics (formerly Invitae), Labcorp
Classification: Pathogenic for Autosomal recessive severe congenital neutropenia due to CSF3R deficiency. Last evaluated: 2024-12-23. Review status: criteria provided, single submitter. Criteria: Invitae Variant Classification Sherloc (09022015). Collection method: clinical testing. Allele origin: germline.
Comment: This sequence change creates a premature translational stop signal (p.Trp279*) in the CSF3R gene. It is expected to result in an absent or disrupted protein product. Loss-of-function variants in CSF3R are known to be pathogenic (PMID: 24753537, 26324699). This variant is not present in population databases (gnomAD no frequency). This variant has not been reported in the literature in individuals affected with CSF3R-related conditions. ClinVar contains an entry for this variant (Variation ID: 2900974). For these reasons, this variant has been classified as Pathogenic.

Literature cited by the submitters: PubMed 24753537; PubMed 26324699.

NM_000760.4(CSF3R):c.836G>A (p.Trp279Ter)

Gene: CSF3R (colony stimulating factor 3 receptor; minus strand). Cytogenetic location: 1p34.3.
Variant type: single nucleotide variant.
Coding change: c.836G>A on transcript NM_000760.4 (MANE Select); coding-DNA position 836, G replaced by A.
Protein change: p.Trp279Ter; replaces tryptophan 279 with a stop codon.
Molecular consequence: nonsense.
Genome position (GRCh38, 1-based): chr1:36,472,524, C>T on the plus strand (G>A on the coding strand, the complement: CSF3R is on the minus strand). VCF-style: chr1-36472524-C-T. GRCh37 (hg19) VCF-style: chr1-36938125-C-T.
Other names: c.836G>A, p.Trp279Ter (NM_156039.3, NM_172313.3); short protein forms W279*.
Identifiers: ClinVar variation 2900974 (VCV002900974.3), dbSNP rs1650834725, ClinGen allele CA339422654.